The following is an entry in ClinVar:

NM_006892.4(DNMT3B):c.1056C>A (p.Asn352Lys)

Gene: DNMT3B (DNA methyltransferase 3 beta; plus strand). Cytogenetic location: 20q11.21.
Variant type: single nucleotide variant.
Coding change: c.1056C>A on transcript NM_006892.4 (MANE Select); coding-DNA position 1056, C replaced by A.
Protein change: p.Asn352Lys; replaces asparagine 352 with lysine.
Molecular consequence: missense variant.
Genome position (GRCh38, 1-based): chr20:32,792,760, C>A. VCF-style: chr20-32792760-C-A. GRCh37 (hg19) VCF-style: chr20-31380566-C-A.
Other names: c.930C>A, p.Asn310Lys (NM_001207055.2); c.828C>A, p.Asn276Lys (NM_001207056.2); c.1056C>A, p.Asn352Lys (NM_175848.2, NM_175849.2); c.1092C>A, p.Asn364Lys (NM_175850.3); short protein forms N276K, N310K, N352K, N364K.
Identifiers: ClinVar variation 1001472 (VCV001001472.8), dbSNP rs1980129917, ClinGen allele CA408589877.

ClinVar aggregate classification (germline): Uncertain significance (1 of 4 stars; one submission).

Conditions:
Centromeric instability of chromosomes 1,9 and 16 and immunodeficiency (ICF1). Also called: Immunodeficiency-centromeric instability-facial anomalies; IMMUNE DEFICIENCY, VARIABLE, WITH CENTROMERIC INSTABILITY OF CHROMOSOMES 1, 9, AND 16; IMMUNODEFICIENCY SYNDROME, VARIABLE; CENTROMERIC INSTABILITY, IMMUNODEFICIENCY SYNDROME. Identifiers: Orphanet 2268, MedGen C0398788, MONDO:0000133.

Allele frequency attached by ClinVar (database versions not stated): gnomAD exomes below 0.00001.
gnomAD v4.1: 1 of 1,614,166 alleles (0.000062%); highest among the groups gnomAD compares: Non-Finnish European, 0.000085%; no homozygotes.

Submission:

Labcorp Genetics (formerly Invitae), Labcorp
Classification: Uncertain significance for Centromeric instability of chromosomes 1,9 and 16 and immunodeficiency. Last evaluated: 2021-07-22. Review status: criteria provided, single submitter. Criteria: Invitae Variant Classification Sherloc (09022015). Collection method: clinical testing. Allele origin: germline.
Comment: In summary, the available evidence is currently insufficient to determine the role of this variant in disease. Therefore, it has been classified as a Variant of Uncertain Significance. Algorithms developed to predict the effect of missense changes on protein structure and function output the following: SIFT: "Tolerated"; PolyPhen-2: "Benign"; Align-GVGD: "Class C0". The lysine amino acid residue is found in multiple mammalian species, suggesting that this missense change does not adversely affect protein function. These predictions have not been confirmed by published functional studies and their clinical significance is uncertain. This sequence change replaces asparagine with lysine at codon 352 of the DNMT3B protein (p.Asn352Lys). The asparagine residue is moderately conserved and there is a moderate physicochemical difference between asparagine and lysine. This variant is not present in population databases (ExAC no frequency). This variant has not been reported in the literature in individuals with DNMT3B-related conditions.